The following is an entry in ClinVar:

NM_005869.4(CWC27):c.42+1G>A

Genes: CWC27 (CWC27 spliceosome associated cyclophilin; plus strand), LOC123493324 (MED14-independent group 3 enhancer GRCh37_chr5:64063900-64065099; plus strand). Cytogenetic location: 5q12.3.
Variant type: single nucleotide variant.
Coding change: c.42+1G>A on transcript NM_005869.4 (MANE Select); the canonical splice donor site of the intron after coding-DNA position 42, G replaced by A.
Molecular consequence: splice donor variant.
Genome position (GRCh38, 1-based): chr5:64,769,189, G>A. VCF-style: chr5-64769189-G-A. GRCh37 (hg19) VCF-style: chr5-64065016-G-A.
Other names: c.42+1G>A (NM_001297644.1, NM_001364478.1, NM_001318000.2 and 1 more transcripts).
Identifiers: ClinVar variation 2103908 (VCV002103908.4), dbSNP rs1743147822, ClinGen allele CA359837292.
Genomic context (GRCh38, chr5:64,769,189, plus strand): 5'-TCCTTTGTACTGACCAAGATGAGCAACATCTACATCCAGGAGCCTCCCACGAATGGGAAG[G>A]TGAGAGCCTCATCTAGGGAACTTGGGGTCCTGGGATCCCCAAAGTGAGATTTCCCGGATT-3'

ClinVar aggregate classification (germline): Likely pathogenic (1 of 4 stars; one submission).

Submission:

Labcorp Genetics (formerly Invitae), Labcorp
Classification: Likely pathogenic. Last evaluated: 2022-02-27. Review status: criteria provided, single submitter. Criteria: Invitae Variant Classification Sherloc (09022015). Collection method: clinical testing. Allele origin: germline.
Comment: In summary, the currently available evidence indicates that the variant is pathogenic, but additional data are needed to prove that conclusively. Therefore, this variant has been classified as Likely Pathogenic. Algorithms developed to predict the effect of sequence changes on RNA splicing suggest that this variant may disrupt the consensus splice site. This variant has not been reported in the literature in individuals affected with CWC27-related conditions. This variant is not present in population databases (gnomAD no frequency). This sequence change affects a donor splice site in intron 1 of the CWC27 gene. It is expected to disrupt RNA splicing. Variants that disrupt the donor or acceptor splice site typically lead to a loss of protein function (PMID: 16199547), and loss-of-function variants in CWC27 are known to be pathogenic (PMID: 28285769).

Literature cited by the submitters: PubMed 16199547; PubMed 28285769.